The following is an entry in ClinVar:

ClinVar aggregate classification (germline): Pathogenic (1 of 4 stars; one submission).

Conditions:
Joubert syndrome and related disorders. Identifiers: Orphanet 140874, MedGen C5679612, MONDO:0015369.

Submission:

Myriad Genetics, Inc.
Classification: Pathogenic for Joubert syndrome and related disorders. Last evaluated: 2024-08-28. Review status: criteria provided, single submitter. Criteria: Myriad Autosomal Dominant, Autosomal Recessive and X-Linked Classification Criteria (2023). Collection method: clinical testing. Allele origin: unknown.
Comment: NM_001080522.2(CC2D2A):c.1621_1622delCAinsG(Q541Gfs*16) is expected to be pathogenic in the context of CC2D2A-related disorders. This variant is predicted to lead to an abnormal or absent protein product due to the creation of a premature termination codon in CC2D2A, a gene where loss-of-function variants are known to be pathogenic. Please note: this variant was assessed in the context of healthy population screening.

NM_001378615.1(CC2D2A):c.1621_1622delinsG (p.Gln541fs)

Genes: CC2D2A (coiled-coil and C2 domain containing 2A; plus strand), FBXL5 (F-box and leucine rich repeat protein 5; minus strand). Cytogenetic location: 4p15.32.
Variant type: Indel.
Coding change: c.1621_1622delinsG on transcript NM_001378615.1 (MANE Select); coding-DNA positions 1621 to 1622, CA replaced by G.
Protein change: p.Gln541fs; shifts the reading frame from glutamine 541.
Molecular consequence: frameshift variant.
Genome position (GRCh38, 1-based): chr4:15,536,933-15,536,934, CA replaced by G. VCF-style: chr4-15536933-CA-G. GRCh37 (hg19) VCF-style: chr4-15538556-CA-G.
Other names: c.1621_1622delinsG, p.Gln541fs (NM_001080522.2); c.1474_1475delinsG, p.Gln492fs (NM_001378617.1); short protein forms Q492fs, Q541fs.
Identifiers: ClinVar variation 5013499 (VCV005013499.1).
Genomic context (GRCh38, chr4:15,536,933, plus strand): 5'-TTACTTAATTTCCAGAAATAACCAAGGGACTACAAATTATTTTAAAGGGAAAAAGCTGAC[CA>G]GAAAGCAGATGAAGAAGCATATGAAGCAGAAATTCAAGCTGAAATAAGTGAACTGTTAGA-3'